The following is an entry in ClinVar:

ClinVar aggregate classification (germline): Uncertain significance (1 of 4 stars; one submission).

Conditions:
UBN2-related disorder. Also called: UBN2-related condition.

Submission:

PreventionGenetics, part of Exact Sciences
Classification: Uncertain significance for UBN2-related condition. Last evaluated: 2026-06-30. Review status: criteria provided, single submitter. Criteria: ACMG Guidelines, 2015. Collection method: clinical testing. Allele origin: germline.
Comment: The UBN2 c.3203A>C variant is predicted to result in the amino acid substitution p.Lys1068Thr. To our knowledge, this variant has not been reported in the literature or in a large population database (gnomAD), indicating this variant is rare. At this time, the clinical significance of this variant is uncertain due to the absence of conclusive functional and genetic evidence.

NM_173569.4(UBN2):c.3203A>C (p.Lys1068Thr)

Gene: UBN2 (ubinuclein 2; plus strand). Cytogenetic location: 7q34.
Variant type: single nucleotide variant.
Coding change: c.3203A>C on transcript NM_173569.4 (MANE Select); coding-DNA position 3203, A replaced by C.
Protein change: p.Lys1068Thr; replaces lysine 1068 with threonine.
Molecular consequence: missense variant.
Genome position (GRCh38, 1-based): chr7:139,284,108, A>C. VCF-style: chr7-139284108-A-C. GRCh37 (hg19) VCF-style: chr7-138968854-A-C.
Other names: short protein forms K1068T.
Identifiers: ClinVar variation 4995634 (VCV004995634.1).